The following is an entry in ClinVar:

ClinVar aggregate classification (germline): Uncertain significance. Review status: criteria provided, single submitter (1 of 4 stars). 2 submissions from 2 submitters: Uncertain significance (1). 1 of the submissions does not count toward it. Last evaluated 2017-06-30.

Conditions:
Nemaline myopathy 2 (NEM2). Also called: Nemaline myopathy 2, autosomal recessive. Identifiers: MedGen C1850569, MONDO:0009725, OMIM 256030.

Allele frequency attached by ClinVar (database versions not stated): gnomAD 0.00001; gnomAD exomes 0.00001; TOPMed 0.00001; ESP Exome Variant Server 0.00008.
gnomAD v4.1: 12 of 1,597,928 alleles (0.00075%); highest among the groups gnomAD compares: Non-Finnish European, 0.001%; no homozygotes.

Submissions (2):

GeneDx
Classification: Uncertain significance. Last evaluated: 2017-06-30. Review status: criteria provided, single submitter. Criteria: GeneDx Variant Classification (06012015). Collection method: clinical testing. Allele origin: germline. Affected: yes.
Comment: The D3943G variant has not been published as a pathogenic variant, nor has it been reported as a benign variant to our knowledge. It is not observed in large population cohorts (Lek et al., 2016; 1000 Genomes Consortium et al., 2015; Exome Variant Server). The D3943G variant is a non-conservative amino acid substitution, which is likely to impact secondary protein structure as these residues differ in polarity, charge, size and/or other properties Additionally, in silico analysis predicts this variant is probably damaging to the protein structure/function. However, this substitution occurs at a position that is not conserved across species.

Natera, Inc.
Classification: Uncertain significance for Nemaline myopathy type 2. Last evaluated: 2019-11-11. Review status: no assertion criteria provided. Collection method: clinical testing. Allele origin: germline. Not counted in ClinVar's aggregate classification.

NM_001164508.2(NEB):c.11828A>G (p.Asp3943Gly)

Gene: NEB (nebulin; minus strand). Cytogenetic location: 2q23.3.
Variant type: single nucleotide variant.
Coding change: c.11828A>G on transcript NM_001164508.2 (MANE Select); coding-DNA position 11828, A replaced by G.
Protein change: p.Asp3943Gly; replaces aspartic acid 3943 with glycine.
Molecular consequence: missense variant.
Genome position (GRCh38, 1-based): chr2:151,610,844, T>C on the plus strand (A>G on the coding strand, the complement: NEB is on the minus strand). VCF-style: chr2-151610844-T-C. GRCh37 (hg19) VCF-style: chr2-152467358-T-C.
Other names: c.11828A>G, p.Asp3943Gly (NM_001164507.2, NM_001271208.2); c.11099A>G, p.Asp3700Gly (NM_004543.5); short protein forms D3943G, D3700G.
Identifiers: ClinVar variation 450325 (VCV000450325.3), dbSNP rs371102558, ClinGen allele CA57635867.